The following is an entry in ClinVar:

NM_001243133.2(NLRP3):c.13C>T (p.Arg5Cys)

Gene: NLRP3 (NLR family pyrin domain containing 3; plus strand). Cytogenetic location: 1q44.
Variant type: single nucleotide variant.
Coding change: c.13C>T on transcript NM_001243133.2 (MANE Select); coding-DNA position 13, C replaced by T.
Protein change: p.Arg5Cys; replaces arginine 5 with cysteine.
Molecular consequence: missense variant.
Genome position (GRCh38, 1-based): chr1:247,418,813, C>T. VCF-style: chr1-247418813-C-T. GRCh37 (hg19) VCF-style: chr1-247582115-C-T.
Other names: c.13C>T, p.Arg5Cys (NM_001079821.3, NM_001127461.3, NM_001127462.3 and 1 more transcripts); c.19C>T, p.Arg7Cys (NM_004895.5); short protein forms R5C, R7C.
Identifiers: ClinVar variation 1305073 (VCV001305073.10), dbSNP rs1033902069, ClinGen allele CA40685418.

ClinVar aggregate classification (germline): Uncertain significance. Review status: criteria provided, multiple submitters, no conflicts (2 of 4 stars). 2 submissions from 2 submitters: Uncertain significance (2). Last evaluated 2025-12-10.

Conditions:
Cryopyrin associated periodic syndrome (CAPS). Identifiers: Orphanet 208650, MedGen C2316212, MONDO:0016168.

Allele frequency attached by ClinVar (database versions not stated): gnomAD exomes below 0.00001; gnomAD 0.00001; TOPMed 0.00001.

Submissions (2):

GeneDx
Classification: Uncertain significance. Last evaluated: 2025-12-10. Review status: criteria provided, single submitter. Criteria: GeneDx Variant Classification Process June 2021. Collection method: clinical testing. Allele origin: germline. Affected: yes.
Comment: Published functional studies suggest that there is a loss of activity, but additional studies are required (PMID: 39930093); Not observed at significant frequency in large population cohorts (gnomAD); In silico analysis supports that this missense variant has a deleterious effect on protein structure/function; Also known as R5C; This variant is associated with the following publications: (PMID: 39930093)

Labcorp Genetics (formerly Invitae), Labcorp
Classification: Uncertain significance for Cryopyrin associated periodic syndrome. Last evaluated: 2025-11-27. Review status: criteria provided, single submitter. Criteria: Invitae Variant Classification Sherloc (09022015). Collection method: clinical testing. Allele origin: germline.
Comment: This sequence change replaces arginine, which is basic and polar, with cysteine, which is neutral and slightly polar, at codon 7 of the NLRP3 protein (p.Arg7Cys). This variant is not present in population databases (gnomAD no frequency). This variant has not been reported in the literature in individuals affected with NLRP3-related conditions. ClinVar contains an entry for this variant (Variation ID: 1305073). Invitae Evidence Modeling of protein sequence and biophysical properties (such as structural, functional, and spatial information, amino acid conservation, physicochemical variation, residue mobility, and thermodynamic stability) has been performed for this missense variant. However, the output from this modeling did not meet the statistical confidence thresholds required to predict the impact of this variant on NLRP3 protein function. In summary, the available evidence is currently insufficient to determine the role of this variant in disease. Therefore, it has been classified as a Variant of Uncertain Significance.